The following is an entry in ClinVar:

ClinVar aggregate classification (germline): Uncertain significance (1 of 4 stars; one submission).

Submission:

Labcorp Genetics (formerly Invitae), Labcorp
Classification: Uncertain significance. Last evaluated: 2024-01-22. Review status: criteria provided, single submitter. Criteria: Invitae Variant Classification Sherloc (09022015). Collection method: clinical testing. Allele origin: germline.
Comment: This sequence change replaces asparagine, which is neutral and polar, with aspartic acid, which is acidic and polar, at codon 269 of the HNF1B protein (p.Asn269Asp). This variant is not present in population databases (gnomAD no frequency). This variant has not been reported in the literature in individuals affected with HNF1B-related conditions. Advanced modeling of protein sequence and biophysical properties (such as structural, functional, and spatial information, amino acid conservation, physicochemical variation, residue mobility, and thermodynamic stability) has been performed at Invitae for this missense variant, however the output from this modeling did not meet the statistical confidence thresholds required to predict the impact of this variant on HNF1B protein function. In summary, the available evidence is currently insufficient to determine the role of this variant in disease. Therefore, it has been classified as a Variant of Uncertain Significance.

NM_000458.4(HNF1B):c.805A>G (p.Asn269Asp)

Genes: HNF1B (HNF1 homeobox B; minus strand), LOC126862549 (BRD4-independent group 4 enhancer GRCh37_chr17:36093401-36094600; plus strand). Cytogenetic location: 17q12.
Variant type: single nucleotide variant.
Coding change: c.805A>G on transcript NM_000458.4 (MANE Select); coding-DNA position 805, A replaced by G.
Protein change: p.Asn269Asp; replaces asparagine 269 with aspartic acid.
Molecular consequence: missense variant.
Genome position (GRCh38, 1-based): chr17:37,733,561, T>C on the plus strand (A>G on the coding strand, the complement: HNF1B is on the minus strand). VCF-style: chr17-37733561-T-C. GRCh37 (hg19) VCF-style: chr17-36093554-T-C.
Other names: c.727A>G, p.Asn243Asp (NM_001165923.4, NM_001304286.2); c.805A>G, p.Asn269Asp (NM_001411100.1); short protein forms N269D, N243D.
Identifiers: ClinVar variation 2790918 (VCV002790918.3), dbSNP rs2511808332, ClinGen allele CA398747895.